The following is an entry in ClinVar:

NM_000051.4(ATM):c.131A>T (p.Asp44Val)

Gene: ATM (ATM serine/threonine kinase; plus strand). Cytogenetic location: 11q22.3.
Variant type: single nucleotide variant.
Coding change: c.131A>T on transcript NM_000051.4 (MANE Select); coding-DNA position 131, A replaced by T.
Protein change: p.Asp44Val; replaces aspartic acid 44 with valine.
Molecular consequence: missense variant.
Genome position (GRCh38, 1-based): chr11:108,227,834, A>T. VCF-style: chr11-108227834-A-T. GRCh37 (hg19) VCF-style: chr11-108098561-A-T.
Other names: c.131A>T, p.Asp44Val (NM_001351834.2, NM_001351835.2, NM_001351836.2); short protein forms D44V.
Identifiers: ClinVar variation 862254 (VCV000862254.9), dbSNP rs150143957, ClinGen allele CA382520015.
Genomic context (GRCh38, chr11:108,227,834, plus strand): 5'-AGAAAGAAGTTGAGAAATTTAAGCGCCTGATTCGAGATCCTGAAACAATTAAACATCTAG[A>T]TCGGCATTCAGATTCCAAACAAGGAAAATATTTGAATTGGGATGCTGTTTTTAGGTATTC-3'
Protein context (NP_000042.3, residues 34-54): IRDPETIKHL[Asp44Val]RHSDSKQGKY

ClinVar aggregate classification (germline): Uncertain significance (1 of 4 stars; one submission).

Conditions:
Ataxia-telangiectasia syndrome (AT). Also called: LOUIS-BAR SYNDROME; Ataxia telangiectasia (A-T); Ataxia-telangiectasia, complementation group D; Cerebello-oculocutaneous telangiectasia; Immunodeficiency with ataxia telangiectasia; Ataxia-telangiectasia. Identifiers: Orphanet 100, MedGen C0004135, MONDO:0008840, OMIM 208900.

gnomAD v4.1: 1 of 1,613,494 alleles (0.000062%); highest among the groups gnomAD compares: Non-Finnish European, 0.000085%; no homozygotes.

Submission:

Labcorp Genetics (formerly Invitae), Labcorp
Classification: Uncertain significance for Ataxia-telangiectasia syndrome. Last evaluated: 2026-01-13. Review status: criteria provided, single submitter. Criteria: Invitae Variant Classification Sherloc (09022015). Collection method: clinical testing. Allele origin: germline.
Comment: This sequence change replaces aspartic acid, which is acidic and polar, with valine, which is neutral and non-polar, at codon 44 of the ATM protein (p.Asp44Val). This variant is not present in population databases (gnomAD no frequency). This variant has not been reported in the literature in individuals affected with ATM-related conditions. ClinVar contains an entry for this variant (Variation ID: 862254). Invitae Evidence Modeling of protein sequence and biophysical properties (such as structural, functional, and spatial information, amino acid conservation, physicochemical variation, residue mobility, and thermodynamic stability) indicates that this missense variant is not expected to disrupt ATM protein function with a negative predictive value of 95%. In summary, the available evidence is currently insufficient to determine the role of this variant in disease. Therefore, it has been classified as a Variant of Uncertain Significance.